The following is an entry in ClinVar:

NM_001082486.2(ACD):c.1224T>A (p.His408Gln)

Gene: ACD (ACD shelterin complex subunit and telomerase recruitment factor; minus strand). Cytogenetic location: 16q22.1.
Variant type: single nucleotide variant.
Coding change: c.1224T>A on transcript NM_001082486.2 (MANE Select); coding-DNA position 1224, T replaced by A.
Protein change: p.His408Gln; replaces histidine 408 with glutamine.
Molecular consequence: missense variant.
Genome position (GRCh38, 1-based): chr16:67,657,836, A>T on the plus strand (T>A on the coding strand, the complement: ACD is on the minus strand). VCF-style: chr16-67657836-A-T. GRCh37 (hg19) VCF-style: chr16-67691739-A-T.
Other names: c.1137T>A, p.His379Gln (NM_001410884.1); c.1215T>A, p.His405Gln (NM_022914.3); short protein forms H408Q, H379Q, H405Q.
Identifiers: ClinVar variation 2092518 (VCV002092518.4), dbSNP rs1198341322, ClinGen allele CA396350024.

ClinVar aggregate classification (germline): Uncertain significance (1 of 4 stars; one submission).

Conditions:
Dyskeratosis congenita, autosomal dominant 6 (DKCA6). Identifiers: Orphanet 3322, MedGen C4225284, MONDO:0014690, OMIM 616553.

Submission:

Labcorp Genetics (formerly Invitae), Labcorp
Classification: Uncertain significance for Dyskeratosis congenita, autosomal dominant 6. Last evaluated: 2026-01-12. Review status: criteria provided, single submitter. Criteria: Invitae Variant Classification Sherloc (09022015). Collection method: clinical testing. Allele origin: germline.
Comment: This sequence change replaces histidine, which is basic and polar, with glutamine, which is neutral and polar, at codon 494 of the ACD protein (p.His494Gln). This variant is not present in population databases (gnomAD no frequency). This variant has not been reported in the literature in individuals affected with ACD-related conditions. ClinVar contains an entry for this variant (Variation ID: 2092518). Invitae Evidence Modeling of protein sequence and biophysical properties (such as structural, functional, and spatial information, amino acid conservation, physicochemical variation, residue mobility, and thermodynamic stability) indicates that this missense variant is expected to disrupt ACD protein function with a positive predictive value of 80%. In summary, the available evidence is currently insufficient to determine the role of this variant in disease. Therefore, it has been classified as a Variant of Uncertain Significance.